The following is an entry in ClinVar:

GRCh38/hg38 5p15.1(chr5:15097493-15866008)x3

Genes: CTD-2350J17.1 (uncharacterized LOC101929472; minus strand), FBXL7 (F-box and leucine rich repeat protein 7; plus strand), LINC02149 (long intergenic non-protein coding RNA 2149; minus strand), LOC126807326 (CDK7 strongly-dependent group 2 enhancer GRCh37_chr5:15786420-15787619; plus strand). Cytogenetic location: 5p15.1.
Variant type: copy number gain.
Change: copy number 3 (three copies instead of two) of chr5:15,097,493-15,866,008 (768.5 kb, GRCh38 coordinates, 1-based), cytogenetic band 5p15.1.
Identifiers: ClinVar variation 148791 (VCV000148791.3).

ClinVar aggregate classification (germline): conflicting data from submitters (0 of 4 stars; one submission).

Submission:

ISCA site 1
Classification: conflicting data from submitters. Last evaluated: 2012-09-17. Review status: no assertion criteria provided. Collection method: clinical testing. Allele origin: maternal, unknown. Affected: yes. Observed: 3 variant alleles. Clinical features observed: Delayed speech and language development (HP:0000750), Chronic otitis media (HP:0000389), Behavioral abnormality (HP:0000708), Autistic behavior (HP:0000729), Global developmental delay (HP:0001263).
Comment: Uncertain significance(2), Likely benign (1)

Copy number variation identified through the course of routine clinical cytogenomic testing in postnatal populations, with clinical assertions as classified by the original submitter. For data from the original published study, Kaminsky, et al. 2011 (PubMed 21844811), please see nstd101.